The following is an entry in ClinVar:

NM_144691.4(CAPN12):c.1257C>A (p.Gly419=)

Gene: CAPN12 (calpain 12; minus strand). Cytogenetic location: 19q13.2.
Variant type: single nucleotide variant.
Coding change: c.1257C>A on transcript NM_144691.4 (MANE Select); coding-DNA position 1257, C replaced by A.
Protein change: p.Gly419=; no amino-acid change (glycine 419 retained).
Molecular consequence: synonymous variant.
Genome position (GRCh38, 1-based): chr19:38,737,261, G>T on the plus strand (C>A on the coding strand, the complement: CAPN12 is on the minus strand). VCF-style: chr19-38737261-G-T. GRCh37 (hg19) VCF-style: chr19-39227901-G-T.
Identifiers: ClinVar variation 3056650 (VCV003056650.2), dbSNP rs371409650, ClinGen allele CA9418831.

ClinVar aggregate classification (germline): Likely benign (0 of 4 stars; one submission).

Conditions:
CAPN12-related disorder. Also called: CAPN12-related condition.

Allele frequency attached by ClinVar (database versions not stated): ESP Exome Variant Server 0.00025; 1000 Genomes Project 0.00040; gnomAD 0.00044; gnomAD exomes 0.00049; TOPMed 0.00060; ExAC 0.00142.

Submission:

PreventionGenetics, part of Exact Sciences
Classification: Likely benign for CAPN12-related condition. Last evaluated: 2019-03-01. Review status: no assertion criteria provided. Collection method: clinical testing. Allele origin: germline.
Comment: This variant is classified as likely benign based on ACMG/AMP sequence variant interpretation guidelines (Richards et al. 2015 PMID: 25741868, with internal and published modifications).